The following is an entry in ClinVar:

ClinVar aggregate classification (germline): Uncertain significance. Review status: criteria provided, multiple submitters, no conflicts (2 of 4 stars). 2 submissions from 2 submitters: Uncertain significance (2). Last evaluated 2024-07-23.

Conditions:
Cardiomyopathy (CMYO). Also called: Cardiomyopathies. Identifiers: Orphanet 167848, MedGen C0878544, MONDO:0004994, HP:0001638. Inheritance: Various modes of inheritance.
Catecholaminergic polymorphic ventricular tachycardia 1. Also called: RYR2-Related Catecholaminergic Polymorphic Ventricular Tachycardia; VENTRICULAR TACHYCARDIA, CATECHOLAMINERGIC POLYMORPHIC, 1, WITH OR WITHOUT ATRIAL DYSFUNCTION AND/OR DILATED CARDIOMYOPATHY; VENTRICULAR TACHYCARDIA, STRESS-INDUCED POLYMORPHIC 1. Identifiers: Orphanet 3286, MedGen C1631597, MONDO:0011484, OMIM 604772.

Allele frequency attached by ClinVar (database versions not stated): ExAC 0.00002; TOPMed 0.00002; 1000 Genomes Project 30x 0.00016; 1000 Genomes Project 0.00020.
gnomAD v4.1: 4 of 1,613,802 alleles (0.00025%); highest among the groups gnomAD compares: East Asian, 0.0045%; no homozygotes.

Submissions (2):

Labcorp Genetics (formerly Invitae), Labcorp
Classification: Uncertain significance for Catecholaminergic polymorphic ventricular tachycardia 1. Last evaluated: 2024-07-23. Review status: criteria provided, single submitter. Criteria: Invitae Variant Classification Sherloc (09022015). Collection method: clinical testing. Allele origin: germline.
Comment: This sequence change replaces valine, which is neutral and non-polar, with phenylalanine, which is neutral and non-polar, at codon 2435 of the RYR2 protein (p.Val2435Phe). This variant is present in population databases (rs188835713, gnomAD 0.006%). This variant has not been reported in the literature in individuals affected with RYR2-related conditions. ClinVar contains an entry for this variant (Variation ID: 629621). Advanced modeling of protein sequence and biophysical properties (such as structural, functional, and spatial information, amino acid conservation, physicochemical variation, residue mobility, and thermodynamic stability) performed at Invitae indicates that this missense variant is expected to disrupt RYR2 protein function with a positive predictive value of 95%. In summary, the available evidence is currently insufficient to determine the role of this variant in disease. Therefore, it has been classified as a Variant of Uncertain Significance.

Color Diagnostics, LLC DBA Color Health
Classification: Uncertain significance for Cardiomyopathy. Last evaluated: 2018-10-29. Review status: criteria provided, single submitter. Criteria: ACMG Guidelines, 2015. Collection method: clinical testing. Allele origin: germline.
Comment: Variant of Uncertain Significance due to insufficient evidence: This missense variant is located in the cytoplasmic domain of the RYR2 protein. Computational prediction tools and conservation analyses are inconclusive regarding the impact of this variant on the protein function. Computational splicing tools suggest that this variant may not impact RNA splicing. To our knowledge, functional assays have not been performed for this variant nor has this variant been reported in individuals affected with cardiovascular disorders in the literature. This variant has been identified in 2/246188 chromosomes in the general population by the Genome Aggregation Database (gnomAD). Available evidence is insufficient to determine the pathogenicity of this variant conclusively.

NM_001035.3(RYR2):c.7303G>T (p.Val2435Phe)

Gene: RYR2 (ryanodine receptor 2; plus strand). Cytogenetic location: 1q43.
Variant type: single nucleotide variant.
Coding change: c.7303G>T on transcript NM_001035.3 (MANE Select); coding-DNA position 7303, G replaced by T.
Protein change: p.Val2435Phe; replaces valine 2435 with phenylalanine.
Molecular consequence: missense variant.
Genome position (GRCh38, 1-based): chr1:237,643,408, G>T. VCF-style: chr1-237643408-G-T. GRCh37 (hg19) VCF-style: chr1-237806708-G-T.
Other names: c.7303G>T, p.Val2435Phe (LRG_402t1); short protein forms V2435F.
Identifiers: ClinVar variation 629621 (VCV000629621.4), dbSNP rs188835713, ClinGen allele CA087355.